The following is an entry in ClinVar:

NM_001080476.3(GRXCR1):c.362A>G (p.Asn121Ser)

Gene: GRXCR1 (glutaredoxin and cysteine rich domain containing 1; plus strand). Cytogenetic location: 4p13.
Variant type: single nucleotide variant.
Coding change: c.362A>G on transcript NM_001080476.3 (MANE Select); coding-DNA position 362, A replaced by G.
Protein change: p.Asn121Ser; replaces asparagine 121 with serine.
Molecular consequence: missense variant.
Genome position (GRCh38, 1-based): chr4:42,893,628, A>G. VCF-style: chr4-42893628-A-G. GRCh37 (hg19) VCF-style: chr4-42895645-A-G.
Other names: c.362A>G (NM_001080476.2); short protein forms N121S.
Identifiers: ClinVar variation 1479325 (VCV001479325.9), dbSNP rs781260321, ClinGen allele CA2904370.

ClinVar aggregate classification (germline): Uncertain significance. Review status: criteria provided, multiple submitters, no conflicts (2 of 4 stars). 3 submissions from 3 submitters: Uncertain significance (3). Last evaluated 2025-09-01.

Conditions:
Inborn genetic diseases. Identifiers: MedGen C0950123, MeSH D030342.

Allele frequency attached by ClinVar (database versions not stated): gnomAD exomes 0.00001 and 0.00004; gnomAD 0.00002; ExAC 0.00003.
gnomAD v4.1: 21 of 1,613,330 alleles (0.0013%); highest among the groups gnomAD compares: African/African-American, 0.0027%; no homozygotes.

Submissions (3):

Ambry Genetics
Classification: Uncertain significance for Inborn genetic diseases. Last evaluated: 2025-09-01. Review status: criteria provided, single submitter. Criteria: Ambry Variant Classification Scheme 2023. Collection method: clinical testing. Allele origin: germline.

GeneDx
Classification: Uncertain significance. Last evaluated: 2025-08-09. Review status: criteria provided, single submitter. Criteria: GeneDx Variant Classification Process June 2021. Collection method: clinical testing. Allele origin: germline. Affected: yes.
Comment: Not observed at significant frequency in large population cohorts (gnomAD); In silico analysis suggests that this missense variant does not alter protein structure/function; Has not been previously published as pathogenic or benign to our knowledge

Labcorp Genetics (formerly Invitae), Labcorp
Classification: Uncertain significance. Last evaluated: 2021-04-04. Review status: criteria provided, single submitter. Criteria: Invitae Variant Classification Sherloc (09022015). Collection method: clinical testing. Allele origin: germline.
Comment: In summary, the available evidence is currently insufficient to determine the role of this variant in disease. Therefore, it has been classified as a Variant of Uncertain Significance. Algorithms developed to predict the effect of missense changes on protein structure and function (SIFT, PolyPhen-2, Align-GVGD) all suggest that this variant is likely to be tolerated, but these predictions have not been confirmed by published functional studies and their clinical significance is uncertain. This variant has not been reported in the literature in individuals with GRXCR1-related conditions. This variant is present in population databases (rs781260321, ExAC 0.009%). This sequence change replaces asparagine with serine at codon 121 of the GRXCR1 protein (p.Asn121Ser). The asparagine residue is moderately conserved and there is a small physicochemical difference between asparagine and serine.